The following is an entry in ClinVar:

NM_000836.4(GRIN2D):c.3486C>T (p.Arg1162=)

Gene: GRIN2D (glutamate ionotropic receptor NMDA type subunit 2D; plus strand). Cytogenetic location: 19q13.33.
Variant type: single nucleotide variant.
Coding change: c.3486C>T on transcript NM_000836.4 (MANE Select); coding-DNA position 3486, C replaced by T.
Protein change: p.Arg1162=; no amino-acid change (arginine 1162 retained).
Molecular consequence: synonymous variant.
Genome position (GRCh38, 1-based): chr19:48,443,412, C>T. VCF-style: chr19-48443412-C-T. GRCh37 (hg19) VCF-style: chr19-48946669-C-T.
Identifiers: ClinVar variation 796679 (VCV000796679.16), dbSNP rs775401234, ClinGen allele CA9550861.

ClinVar aggregate classification (germline): Likely benign. Review status: criteria provided, multiple submitters, no conflicts (2 of 4 stars). 3 submissions from 3 submitters: Likely benign (3). Last evaluated 2026-03-11.

Allele frequency attached by ClinVar (database versions not stated): ExAC below 0.00001; gnomAD 0.00004; gnomAD exomes 0.00004; TOPMed 0.00004.
gnomAD v4.1: 195 of 1,406,800 alleles (0.014%); highest among the groups gnomAD compares: Non-Finnish European, 0.017%; 1 homozygote.

Submissions (3):

Women's Health and Genetics/Laboratory Corporation of America, LabCorp
Classification: Likely benign. Last evaluated: 2026-03-11. Review status: criteria provided, single submitter. Criteria: LabCorp Variant Classification Summary - May 2015. Collection method: clinical testing. Allele origin: germline.

Labcorp Genetics (formerly Invitae), Labcorp
Classification: Likely benign. Last evaluated: 2025-11-12. Review status: criteria provided, single submitter. Criteria: Invitae Variant Classification Sherloc (09022015). Collection method: clinical testing. Allele origin: germline.

CeGaT Center for Human Genetics Tuebingen
Classification: Likely benign. Last evaluated: 2025-09-01. Review status: criteria provided, single submitter. Criteria: CeGaT Center For Human Genetics Tuebingen Variant Classification Criteria Version 2. Collection method: clinical testing. Allele origin: germline. Affected: yes. Observed: 1 variant allele.
Comment: GRIN2D: BP4, BP7